The following is an entry in ClinVar:

NM_001042492.3(NF1):c.4640G>A (p.Gly1547Asp)

Gene: NF1 (neurofibromin 1; plus strand). Cytogenetic location: 17q11.2.
Variant type: single nucleotide variant.
Coding change: c.4640G>A on transcript NM_001042492.3 (MANE Select); coding-DNA position 4640, G replaced by A.
Protein change: p.Gly1547Asp; replaces glycine 1547 with aspartic acid.
Molecular consequence: missense variant.
Genome position (GRCh38, 1-based): chr17:31,261,773, G>A. VCF-style: chr17-31261773-G-A. GRCh37 (hg19) VCF-style: chr17-29588791-G-A.
Other names: c.4577G>A, p.Gly1526Asp (NM_000267.4); short protein forms G1526D, G1547D.
Identifiers: ClinVar variation 1055431 (VCV001055431.6), dbSNP rs2151466343, ClinGen allele CA399000319.

ClinVar aggregate classification (germline): Uncertain significance. Review status: criteria provided, multiple submitters, no conflicts (2 of 4 stars). 2 submissions from 2 submitters: Uncertain significance (2). Last evaluated 2022-05-31.

Conditions:
Neurofibromatosis, type 1 (NF1). Also called: Peripheral type neurofibromatosis; Neurofibromatosis, type I; VON RECKLINGHAUSEN DISEASE; NEUROFIBROMATOSIS, TYPE I, SOMATIC. Identifiers: Orphanet 636, MedGen C0027831, MONDO:0018975, OMIM 162200. Disease mechanism: loss of function.
Neurofibromatosis-Noonan syndrome (NFNS). Also called: NEUROFIBROMATOSIS WITH NOONAN PHENOTYPE. Identifiers: Orphanet 638, MedGen C2931482, MONDO:0011035, OMIM 601321. Disease mechanism: loss of function.
Café-au-lait macules with pulmonary stenosis (WTSN). Also called: PULMONIC STENOSIS WITH CAFE-AU-LAIT SPOTS. Identifiers: MedGen C0553586, MONDO:0008672, OMIM 193520.
Juvenile myelomonocytic leukemia (JMML). Also called: LEUKEMIA, JUVENILE MYELOMONOCYTIC, SOMATIC. Identifiers: Orphanet 86834, MedGen C0349639, MONDO:0011908, OMIM 607785, HP:0012209.
Neurofibromatosis, familial spinal (FSNF). Identifiers: Orphanet 636, MedGen C1834235, MONDO:0008078, OMIM 162210. Disease mechanism: loss of function.

Submissions (2):

Fulgent Genetics
Classification: Uncertain significance for Neurofibromatosis, type 1; Neurofibromatosis, familial spinal; Café-au-lait macules with pulmonary stenosis; Neurofibromatosis-Noonan syndrome; Juvenile myelomonocytic leukemia. Last evaluated: 2022-05-31. Review status: criteria provided, single submitter. Criteria: ACMG Guidelines, 2015. Collection method: clinical testing. Allele origin: unknown.

Labcorp Genetics (formerly Invitae), Labcorp
Classification: Uncertain significance for Neurofibromatosis, type 1. Last evaluated: 2020-02-04. Review status: criteria provided, single submitter. Criteria: Invitae Variant Classification Sherloc (09022015). Collection method: clinical testing. Allele origin: germline.
Comment: This sequence change replaces glycine with aspartic acid at codon 1526 of the NF1 protein (p.Gly1526Asp). The glycine residue is highly conserved and there is a moderate physicochemical difference between glycine and aspartic acid. This variant is not present in population databases (ExAC no frequency). This variant has not been reported in the literature in individuals with NF1-related conditions. Algorithms developed to predict the effect of missense changes on protein structure and function are either unavailable or do not agree on the potential impact of this missense change (SIFT: "Deleterious"; PolyPhen-2: "Probably Damaging"; Align-GVGD: "Class C0"). In summary, the available evidence is currently insufficient to determine the role of this variant in disease. Therefore, it has been classified as a Variant of Uncertain Significance.